The following is an entry in ClinVar:

ClinVar aggregate classification (germline): Likely pathogenic (1 of 4 stars; one submission).

Conditions:
Fanconi anemia (FA). Also called: Fanconi's anemia. Identifiers: Orphanet 84, MedGen C0015625, MeSH D005199, MONDO:0019391.

Submission:

Labcorp Genetics (formerly Invitae), Labcorp
Classification: Likely pathogenic for Fanconi anemia. Last evaluated: 2015-11-04. Review status: criteria provided, single submitter. Criteria: Invitae Variant Classification Sherloc (09022015). Collection method: clinical testing. Allele origin: germline.
Comment: This sequence change affects a donor splice site in intron 37. It is expected to disrupt mRNA splicing and likely results in an absent or disrupted protein product. This variant is not present in population databases and has not been reported in the literature. For these reasons, this variant has been classified as Likely Pathogenic.

NM_001113378.2(FANCI):c.3924+1G>A

Gene: FANCI (FA complementation group I; plus strand). Cytogenetic location: 15q26.1.
Variant type: single nucleotide variant.
Coding change: c.3924+1G>A on transcript NM_001113378.2 (MANE Select); the canonical splice donor site of the intron after coding-DNA position 3924, G replaced by A.
Molecular consequence: splice donor variant.
Genome position (GRCh38, 1-based): chr15:89,315,390, G>A. VCF-style: chr15-89315390-G-A. GRCh37 (hg19) VCF-style: chr15-89858621-G-A.
Other names: c.3744+1G>A (NM_018193.3); c.3924+1G>A (NM_001376911.1); c.3645+1G>A (NM_001376910.1).
Identifiers: ClinVar variation 221079 (VCV000221079.7), dbSNP rs864622739, ClinGen allele CA350361.